The following is an entry in ClinVar:

ClinVar aggregate classification (germline): Uncertain significance (1 of 4 stars; one submission).

Conditions:
Spastic paraplegia. Identifiers: MedGen C0037772, HP:0001258.

Allele frequency attached by ClinVar (database versions not stated): gnomAD 0.00001; TOPMed 0.00001.
gnomAD v4.1: 1 of 1,613,328 alleles (0.000062%); highest among the groups gnomAD compares: African/African-American, 0.0013%; no homozygotes.

Submission:

Labcorp Genetics (formerly Invitae), Labcorp
Classification: Uncertain significance for Spastic paraplegia. Last evaluated: 2019-10-18. Review status: criteria provided, single submitter. Criteria: Invitae Variant Classification Sherloc (09022015). Collection method: clinical testing. Allele origin: germline.
Comment: This variant is not present in population databases (ExAC no frequency). This sequence change replaces aspartic acid with glycine at codon 500 of the AP4E1 protein (p.Asp500Gly). The aspartic acid residue is moderately conserved and there is a moderate physicochemical difference between aspartic acid and glycine. In summary, the available evidence is currently insufficient to determine the role of this variant in disease. Therefore, it has been classified as a Variant of Uncertain Significance. Algorithms developed to predict the effect of sequence changes on RNA splicing suggest that this variant may create or strengthen a splice site, but this prediction has not been confirmed by published transcriptional studies. Algorithms developed to predict the effect of missense changes on protein structure and function are either unavailable or do not agree on the potential impact of this missense change (SIFT: "Deleterious"; PolyPhen-2: "Benign"; Align-GVGD: "Class C0"). This variant has not been reported in the literature in individuals with AP4E1-related conditions.

NM_007347.5(AP4E1):c.1499A>G (p.Asp500Gly)

Gene: AP4E1 (adaptor related protein complex 4 subunit epsilon 1; plus strand). Cytogenetic location: 15q21.2.
Variant type: single nucleotide variant.
Coding change: c.1499A>G on transcript NM_007347.5 (MANE Select); coding-DNA position 1499, A replaced by G.
Protein change: p.Asp500Gly; replaces aspartic acid 500 with glycine.
Molecular consequence: missense variant.
Genome position (GRCh38, 1-based): chr15:50,950,120, A>G. VCF-style: chr15-50950120-A-G. GRCh37 (hg19) VCF-style: chr15-51242317-A-G.
Other names: c.1274A>G, p.Asp425Gly (NM_001252127.2); short protein forms D425G, D500G.
Identifiers: ClinVar variation 972351 (VCV000972351.9), dbSNP rs1344364385, ClinGen allele CA392418086.
Genomic context (GRCh38, chr15:50,950,120, plus strand): 5'-ATGAAACAGAAGATCAGCAATTAAGACTCTATGCAGTTCAGTCTTATCTCACTTTACTGG[A>G]TATGGAAAATGTGTTCTATCCACAGAGATTTCTTCAAGTTATGAGTTGGGTGAGCAAAGT-3'
Protein context (NP_031373.2, residues 490-510): YAVQSYLTLL[Asp500Gly]MENVFYPQRF